The following is an entry in ClinVar:

ClinVar aggregate classification (germline): Likely pathogenic (1 of 4 stars; one submission).

Conditions:
Episodic ataxia type 1 (EA1). Also called: ATAXIA, EPISODIC, WITH MYOKYMIA; MYOKYMIA WITH PERIODIC ATAXIA; PAROXYSMAL ATAXIA WITH NEUROMYOTONIA, HEREDITARY; Episodic ataxia/myokymia syndrome. Identifiers: Orphanet 37612, Orphanet 972, MedGen C1719788, MONDO:0008047, OMIM 160120.

Submission:

Victorian Clinical Genetics Services, Murdoch Childrens Research Institute
Classification: Likely pathogenic for Episodic ataxia type 1. Last evaluated: 2020-07-02. Review status: criteria provided, single submitter. Criteria: ACMG Guidelines, 2015. Collection method: clinical testing. Allele origin: germline. Inheritance: Autosomal dominant inheritance. Affected: yes.
Comment: Based on the classification scheme VCGS_Germline_v1.3.3, this variant is classified as Likely Pathogenic. Following criteria are met: 0103 - Dominant negative and loss of function are known mechanisms of disease in this gene and are associated with episodic ataxia/myokymia syndrome (PMID: 11026449). (I) 0107 - This gene is associated with autosomal dominant disease. (I) 0200 - Variant is predicted to result in a missense amino acid change from leucine to isoleucine (exon 2). (I) 0251 - This variant is heterozygous. (I) 0301 - Variant is absent from gnomAD (both v2 and v3). (SP) 0502 - Missense variant with conflicting in silico predictions. (I) 0601 - Variant is located in the well-established functional domain, within a cluster of pathogenic variants in the ion transport domain (NCBI, Decipher, PDB). In addition, mutagenesis studies have shown that mutations in this residue are predicted to impact protein function (PMID: 19528245; PMID: 12408867; PMID: 17114047). (SP) 0705 - No comparable missense variants have previous evidence for pathogenicity. (I) 0803 - This variant has limited previous evidence of pathogenicity in one family with episodic ataxia type 1 (PMID: 11013453; PMID: 11746627). (SP) 1007 - No published functional evidence has been identified for this variant. (I) 1102 - Strong phenotype match for this individual. (SP) 1208 - Inheritance information for this variant is not currently available in this individual. (I) Legend: (SP) - Supporting pathogenic, (I) - Information, (SB) - Supporting benign

Literature cited by the submitters: PubMed 11013453; PubMed 11026449; PubMed 11746627; PubMed 12408867; PubMed 17114047; PubMed 19528245.

NM_000217.3(KCNA1):c.985C>A (p.Leu329Ile)

Gene: KCNA1 (potassium voltage-gated channel subfamily A member 1; plus strand). Cytogenetic location: 12p13.32.
Variant type: single nucleotide variant.
Coding change: c.985C>A on transcript NM_000217.3 (MANE Select); coding-DNA position 985, C replaced by A.
Protein change: p.Leu329Ile; replaces leucine 329 with isoleucine.
Molecular consequence: missense variant.
Genome position (GRCh38, 1-based): chr12:4,912,363, C>A. VCF-style: chr12-4912363-C-A. GRCh37 (hg19) VCF-style: chr12-5021529-C-A.
Other names: short protein forms L329I.
Identifiers: ClinVar variation 1805796 (VCV001805796.1), dbSNP rs2497353523, ClinGen allele CA383455774.